The following is an entry in ClinVar:

NM_000038.6(APC):c.719C>G (p.Thr240Arg)

Gene: APC (APC regulator of Wnt signaling pathway; plus strand). Cytogenetic location: 5q22.2.
Variant type: single nucleotide variant.
Coding change: c.719C>G on transcript NM_000038.6 (MANE Select); coding-DNA position 719, C replaced by G.
Protein change: p.Thr240Arg; replaces threonine 240 with arginine.
Molecular consequence: missense variant. On other transcripts: 5 prime UTR variant (1), intron variant (2).
Genome position (GRCh38, 1-based): chr5:112,792,519, C>G. VCF-style: chr5-112792519-C-G. GRCh37 (hg19) VCF-style: chr5-112128216-C-G.
Other names: c.719C>G, p.Thr240Arg (NM_001127510.3, NM_001354895.2, NM_001354896.2 and 1 more transcripts); c.749C>G, p.Thr250Arg (NM_001354897.2, NM_001354902.2); c.644C>G, p.Thr215Arg (NM_001354898.2, NM_001354904.2); c.542C>G, p.Thr181Arg (NM_001354900.2, NM_001354901.2, NM_001354905.2); c.-317C>G (NM_001354906.2); c.676-8760C>G (NM_001127511.3); c.646-8760C>G (NM_001354899.2); short protein forms T240R, T181R, T215R, T250R.
Identifiers: ClinVar variation 489491 (VCV000489491.19), dbSNP rs751648064, ClinGen allele CA047191.
Genomic context (GRCh38, chr5:112,792,519, plus strand): 5'-GAATTCAGCAAATCGAAAAGGACATACTTCGTATACGACAGCTTTTACAGTCCCAAGCAA[C>G]AGAAGCAGAGGTTAGTAAATTGCCTTTCTTGTTTGTGGGTATAAAAATAGGTAGTTATTC-3'
Protein context (NP_000029.2, residues 230-250): RIRQLLQSQA[Thr240Arg]EAERSSQNKH

ClinVar aggregate classification (germline): Conflicting classifications of pathogenicity. Review status: criteria provided, conflicting classifications (1 of 4 stars). 6 submissions from 6 submitters: Uncertain significance (1); Benign (1); Likely benign (4). Last evaluated 2026-02-02.

Conditions:
Familial adenomatous polyposis 1 (FAP1). Also called: POLYPOSIS, ADENOMATOUS INTESTINAL; FAMILIAL ADENOMATOUS POLYPOSIS 1, ATTENUATED. Identifiers: MedGen C2713442, MONDO:0021056, OMIM 175100. Disease mechanism: loss of function.
Classic or attenuated familial adenomatous polyposis. Identifiers: MedGen CN372698, MONDO:0021057.
Hereditary cancer-predisposing syndrome. Also called: Hereditary Cancer Syndrome; Neoplastic Syndromes, Hereditary; Tumor predisposition; Hereditary neoplastic syndrome. Identifiers: Orphanet 140162, MedGen C0027672, MeSH D009386, MONDO:0015356.

Allele frequency attached by ClinVar (database versions not stated): gnomAD exomes 0.00004 and 0.00007; ExAC 0.00007; gnomAD below 0.00001 and 0.00001.
gnomAD v4.1: 26 of 1,612,064 alleles (0.0016%); highest among the groups gnomAD compares: South Asian, 0.026%; no homozygotes.

Submissions (6):

Labcorp Genetics (formerly Invitae), Labcorp
Classification: Likely benign for Familial adenomatous polyposis 1. Last evaluated: 2026-02-02. Review status: criteria provided, single submitter. Criteria: Invitae Variant Classification Sherloc (09022015). Collection method: clinical testing. Allele origin: germline.

Myriad Genetics, Inc.
Classification: Likely benign for Familial adenomatous polyposis 1. Last evaluated: 2025-01-23. Review status: criteria provided, single submitter. Criteria: Myriad Autosomal Dominant, Autosomal Recessive and X-Linked Classification Criteria (2023). Collection method: clinical testing. Allele origin: unknown.
Comment: This variant is considered likely benign. This variant has been observed at a population frequency that is significantly greater than expected given the associated disease prevalence and penetrance.

All of Us Research Program, National Institutes of Health
Classification: Likely benign for Classic or attenuated familial adenomatous polyposis. Last evaluated: 2023-11-02. Review status: criteria provided, single submitter. Criteria: ACMG Guidelines, 2015. Collection method: clinical testing. Allele origin: germline. Inheritance: Autosomal dominant inheritance. Observed: 2 variant alleles, 2 heterozygotes.
Comment: This study involves interpretation of variants in research participants for the purpose of population health screening. Participant phenotype was not available at the time of variant classification. Additional details can be found in publication PMID: 35346344, PMCID: PMC8962531

Ambry Genetics
Classification: Benign for Hereditary cancer-predisposing syndrome. Last evaluated: 2023-03-09. Review status: criteria provided, single submitter. Criteria: Ambry Variant Classification Scheme 2023. Collection method: clinical testing. Allele origin: germline.

Sema4
Classification: Uncertain significance for Hereditary cancer-predisposing syndrome. Last evaluated: 2021-06-16. Review status: criteria provided, single submitter. Criteria: Sema4 Curation Guidelines. Collection method: curation. Allele origin: germline.
Comment: The APC c.719C>G (p.T240R) variant has not been reported in the literature to our knowledge. It was observed in 14/30604 chromosomes of the South Asian subpopulation, with no homozygotes, in the large and broad cohorts of the Genome Aggregation Database (PMID: 32461654). This variant has been reported in ClinVar (Variation ID 489491). In silico tools suggest the impact of the variant on protein function is inconclusive, though these predictions have not been confirmed by functional studies. The evidence is insufficient to meet ACMG/AMP criteria for classifying the variant as benign or pathogenic. Thus, the clinical significance of this variant is currently uncertain.

Color Diagnostics, LLC DBA Color Health
Classification: Likely benign for Hereditary cancer-predisposing syndrome. Last evaluated: 2020-01-17. Review status: criteria provided, single submitter. Criteria: ACMG Guidelines, 2015. Collection method: clinical testing. Allele origin: germline.